The following is an entry in ClinVar:

ClinVar aggregate classification (germline): Likely pathogenic (1 of 4 stars; one submission).

Conditions:
DICER1-related tumor predisposition. Also called: DICER1-related pleuropulmonary blastoma cancer predisposition syndrome; DICER1 syndrome. Identifiers: Orphanet 284343, MedGen C3839822, MONDO:0100216.

Submission:

Unidad de Genómica Garrahan, Hospital de Pediatría Garrahan
Classification: Likely pathogenic for DICER1-related tumor predisposition. Last evaluated: 2025-12-01. Review status: criteria provided, single submitter. Criteria: Hatton et al. (Hum Mutat. 2023). Collection method: clinical testing. Allele origin: germline. Affected: yes.
Comment: Frameshift variant predicted to result in protein truncation in a gene for which loss-of-function is a known mechanism of disease (PVS1_very strong). Based on the available evidence and following the ClinGen DICER1 and miRNA-Processing Gene Expert Panel Specifications to the ACMG/AMP Variant Interpretation Guidelines for DICER1 (PMID: 38084291) this alteration is classified as likely pathogenic.

NM_177438.3(DICER1):c.2222del (p.Gly741fs)

Gene: DICER1 (dicer 1, ribonuclease III; minus strand). Cytogenetic location: 14q32.13.
Variant type: Deletion.
Coding change: c.2222del on transcript NM_177438.3 (MANE Select); coding-DNA position 2222, one base deleted (G; older notation c.2222delG).
Protein change: p.Gly741fs; shifts the reading frame from glycine 741.
Molecular consequence: frameshift variant. On other transcripts: non-coding transcript variant (6).
Genome position (GRCh38, 1-based): chr14:95,111,351, C deleted on the plus strand (G on the coding strand, the reverse complement: DICER1 is on the minus strand); the first of 2 consecutive C bases (chr14:95,111,351-95,111,352); deleting either gives the same sequence. VCF-style (leftmost placement, unchanged base first): chr14-95111350-AC-A. GRCh37 (hg19) VCF-style: chr14-95577687-AC-A.
Other names: p.(Gly741Valfs*17); c.2222del, p.Gly741fs (NM_001395677.1, NM_001395678.1, NM_001395679.1 and 12 more transcripts); c.1940del, p.Gly647fs (NM_001395686.1); c.1817del, p.Gly606fs (NM_001395687.1, NM_001395688.1, NM_001395689.1 and 3 more transcripts); c.1655del, p.Gly552fs (NM_001395691.1); c.539del, p.Gly180fs (NM_001395697.1); short protein forms G180fs, G552fs, G606fs, G647fs, G741fs.
Identifiers: ClinVar variation 4686638 (VCV004686638.1).